The following is an entry in ClinVar:

ClinVar aggregate classification (germline): Uncertain significance. Review status: criteria provided, multiple submitters, no conflicts (2 of 4 stars). 3 submissions from 3 submitters: Uncertain significance (3). Last evaluated 2024-06-02.

Conditions:
Long QT syndrome (LQTS). Identifiers: MedGen C0023976, MeSH D008133, MONDO:0002442. Disease mechanism: loss of function. Inheritance: Various modes of inheritance.
Long QT syndrome 8. Identifiers: MedGen CN260585, MONDO:0032756, OMIM 618447.

gnomAD v4.1: 70 of 1,560,550 alleles (0.0045%); highest among the groups gnomAD compares: Non-Finnish European, 0.0061%; no homozygotes.

Submissions (3):

Labcorp Genetics (formerly Invitae), Labcorp
Classification: Uncertain significance for Long QT syndrome. Last evaluated: 2024-06-02. Review status: criteria provided, single submitter. Criteria: Invitae Variant Classification Sherloc (09022015). Collection method: clinical testing. Allele origin: germline.
Comment: This sequence change replaces glycine, which is neutral and non-polar, with arginine, which is basic and polar, at codon 1700 of the CACNA1C protein (p.Gly1700Arg). This variant is not present in population databases (gnomAD no frequency). This variant has not been reported in the literature in individuals affected with CACNA1C-related conditions. ClinVar contains an entry for this variant (Variation ID: 1309437). Advanced modeling of protein sequence and biophysical properties (such as structural, functional, and spatial information, amino acid conservation, physicochemical variation, residue mobility, and thermodynamic stability) has been performed at Invitae for this missense variant, however the output from this modeling did not meet the statistical confidence thresholds required to predict the impact of this variant on CACNA1C protein function. In summary, the available evidence is currently insufficient to determine the role of this variant in disease. Therefore, it has been classified as a Variant of Uncertain Significance.

Victorian Clinical Genetics Services, Murdoch Childrens Research Institute
Classification: Uncertain significance for Long QT syndrome 8. Last evaluated: 2020-10-19. Review status: criteria provided, single submitter. Criteria: ACMG Guidelines, 2015. Collection method: clinical testing. Allele origin: germline. Inheritance: Autosomal dominant inheritance. Affected: yes.
Comment: Based on the classification scheme VCGS_Germline_v1.1.1, this variant is classified as 3B-VUS. Following criteria are met: 0101 - Gain of function is a known mechanism of disease for this gene. (N) 0107 - This gene is known to be associated with autosomal dominant disease. (N) 0200 - Variant is predicted to result in a missense amino acid change from glycine to arginine (exon 42). (N) 0251 - Variant is heterozygous. (N) 0302 - Variant is present in gnomAD (v3) <0.001 for a dominant condition (1 heterozygote, 0 homozygotes). (P) 0309 - An alternative amino acid change at the same position has been observed in gnomAD (v2) (12 heterozygotes, 0 homozygotes). (N) 0501 - Missense variant consistently predicted to be damaging by multiple in silico tools and highly conserved with a major amino acid change. (P) 0600 - Variant is located in an annotated domain or motif (CAC1F_C domain; PDB). (N) 0708 - Comparable variant has inconclusive previous evidence for pathogenicity. An alternate change to serine at the same residue has previously been described as a VUS in three patients with variable cardiac phenotypes (ClinVar, PMID: 31376648). (N) 0807 - Variant has not previously been reported in a clinical context. (N) 0905 - No segregation evidence has been identified for this variant. (N) 1007 - No published functional evidence has been identified for this variant. (N) 1208 - Inheritance information for this variant is not currently available. (N) Legend: (P) - Pathogenic, (N) - Neutral, (B) - Benign

GeneDx
Classification: Uncertain significance. Last evaluated: 2019-08-23. Review status: criteria provided, single submitter. Criteria: GeneDx Variant Classification Process June 2021. Collection method: clinical testing. Allele origin: germline. Affected: yes.
Comment: Has not been previously published as pathogenic or benign to our knowledge; Not observed in large population cohorts (Lek et al., 2016); In silico analysis, which includes protein predictors and evolutionary conservation, supports a deleterious effect

Literature cited by the submitters: PubMed 31376648 (cited by Victorian Clinical Genetics Services, Murdoch Childrens Research Institute).

NM_000719.7(CACNA1C):c.5098G>C (p.Gly1700Arg)

Genes: CACNA1C (calcium voltage-gated channel subunit alpha1 C; plus strand), CACNA1C-AS1 (CACNA1C antisense RNA 1; minus strand). Cytogenetic location: 12p13.33.
Variant type: single nucleotide variant.
Coding change: c.5098G>C on transcript NM_000719.7 (MANE Select); coding-DNA position 5098, G replaced by C.
Protein change: p.Gly1700Arg; replaces glycine 1700 with arginine.
Molecular consequence: missense variant.
Genome position (GRCh38, 1-based): chr12:2,679,450, G>C. VCF-style: chr12-2679450-G-C. GRCh37 (hg19) VCF-style: chr12-2788616-G-C.
Other names: c.5122G>C, p.Gly1708Arg (NM_001129837.2, NM_001129838.2); c.5116G>C, p.Gly1706Arg (NM_001129839.2); c.5098G>C, p.Gly1700Arg (NM_001129840.2, NM_001129841.2, NM_001129842.2 and 4 more transcripts); c.5089G>C, p.Gly1697Arg (NM_001129844.2); c.5065G>C, p.Gly1689Arg (NM_001129846.2, NM_001167625.2); c.5242G>C, p.Gly1748Arg (NM_001129827.2, NM_199460.4); c.5221G>C, p.Gly1741Arg (NM_001129829.2); c.5182G>C, p.Gly1728Arg (NM_001129831.2); and 3 more; short protein forms G1689R, G1697R, G1700R, G1706R, G1708R, G1717R, G1719R, G1720R.
Identifiers: ClinVar variation 1309437 (VCV001309437.6), dbSNP rs761966966, ClinGen allele CA383378496.
Genomic context (GRCh38, chr12:2,679,450, plus strand): 5'-GGGAGGAGTGGGTGCTAAGGGGCTTCTCCACCCACCCCTCCTTCTTGCCTACAGAGGGCC[G>C]GTGGCCTGTTCGGCAACCACGTCAGCTACTACCAAAGCGACGGCCGGAGCGCCTTCCCCC-3'
Protein context (NP_000710.5, residues 1690-1710): ASEDDIFRRA[Gly1700Arg]GLFGNHVSYY